The following is an entry in ClinVar:

NM_022041.4(GAN):c.703A>G (p.Met235Val)

Gene: GAN (gigaxonin; plus strand). Cytogenetic location: 16q23.2.
Variant type: single nucleotide variant.
Coding change: c.703A>G on transcript NM_022041.4 (MANE Select); coding-DNA position 703, A replaced by G.
Protein change: p.Met235Val; replaces methionine 235 with valine.
Molecular consequence: missense variant.
Genome position (GRCh38, 1-based): chr16:81,356,854, A>G. VCF-style: chr16-81356854-A-G. GRCh37 (hg19) VCF-style: chr16-81390459-A-G.
Other names: c.64A>G, p.Met22Val (NM_001377486.1); short protein forms M235V, M22V.
Identifiers: ClinVar variation 2113920 (VCV002113920.3), dbSNP rs753290767, ClinGen allele CA8191455.

ClinVar aggregate classification (germline): Uncertain significance (1 of 4 stars; one submission).

Conditions:
Giant axonal neuropathy 1 (GAN1). Also called: GIANT AXONAL NEUROPATHY 1, AUTOSOMAL RECESSIVE; GAN-Related Neurodegeneration. Identifiers: Orphanet 643, MedGen C1850386, MONDO:0009749, OMIM 256850.

Allele frequency attached by ClinVar (database versions not stated): ExAC 0.00001.
gnomAD v4.1: 4 of 1,613,836 alleles (0.00025%); highest among the groups gnomAD compares: Non-Finnish European, 0.00034%; no homozygotes.

Submission:

Labcorp Genetics (formerly Invitae), Labcorp
Classification: Uncertain significance for Giant axonal neuropathy 1. Last evaluated: 2024-10-29. Review status: criteria provided, single submitter. Criteria: Invitae Variant Classification Sherloc (09022015). Collection method: clinical testing. Allele origin: germline.
Comment: This sequence change replaces methionine, which is neutral and non-polar, with valine, which is neutral and non-polar, at codon 235 of the GAN protein (p.Met235Val). This variant is present in population databases (rs753290767, gnomAD 0.0009%). This variant has not been reported in the literature in individuals affected with GAN-related conditions. ClinVar contains an entry for this variant (Variation ID: 2113920). Invitae Evidence Modeling of protein sequence and biophysical properties (such as structural, functional, and spatial information, amino acid conservation, physicochemical variation, residue mobility, and thermodynamic stability) indicates that this missense variant is not expected to disrupt GAN protein function with a negative predictive value of 80%. In summary, the available evidence is currently insufficient to determine the role of this variant in disease. Therefore, it has been classified as a Variant of Uncertain Significance.